The following continues an entry in ClinVar:

NM_007194.4(CHEK2):c.444+1G>A

Gene: CHEK2. ClinVar aggregate classification (germline): Pathogenic/Likely pathogenic. Pathogenic (51); Likely pathogenic (2).

Submissions 70 to 72 of 72:

Joint Genome Diagnostic Labs from Nijmegen and Maastricht, Radboudumc and MUMC+
Classification: Pathogenic. Review status: no assertion criteria provided. Collection method: clinical testing. Allele origin: germline. Affected: yes. Study: VKGL Data-share Consensus. Not counted in ClinVar's aggregate classification.

Laboratory of Diagnostic Genome Analysis, Leiden University Medical Center (LUMC)
Classification: Likely pathogenic. Review status: no assertion criteria provided. Collection method: clinical testing. Allele origin: germline. Affected: yes. Study: VKGL Data-share Consensus. Not counted in ClinVar's aggregate classification.

Department of Pediatric Oncology,  Hematology and Clinical Immunology, University Clinics Duesseldorf
Classification: Uncertain significance for Hereditary cancer-predisposing syndrome. Review status: flagged submission. Criteria: ACMG Guidelines, 2015. Collection method: research. Allele origin: paternal. Affected: yes. Observed: 1 heterozygote. Not counted in ClinVar's aggregate classification.
ClinVar note: Reason: Outlier claim with insufficient supporting evidence

Literature cited by the submitters: PubMed 15492928 (cited by 11 submitters); PubMed 19030985 (cited by 5 submitters); PubMed 24713400 (cited by 8 submitters); PubMed 21876083 (cited by 9 submitters); PubMed 12533788 (cited by 11 submitters); PubMed 28779002 (cited by Quest Diagnostics Nichols Institute San Juan Capistrano); PubMed 32824581 (cited by Quest Diagnostics Nichols Institute San Juan Capistrano); PubMed 15095295 (cited by 4 submitters); PubMed 15810020 (cited by 3 submitters); PubMed 22058216 (cited by Quest Diagnostics Nichols Institute San Juan Capistrano); PubMed 25525159 (cited by Quest Diagnostics Nichols Institute San Juan Capistrano); PubMed 25980754 (cited by Quest Diagnostics Nichols Institute San Juan Capistrano); PubMed 26084796 (cited by Quest Diagnostics Nichols Institute San Juan Capistrano); PubMed 26681312 (cited by Quest Diagnostics Nichols Institute San Juan Capistrano); PubMed 26689913 (cited by Quest Diagnostics Nichols Institute San Juan Capistrano and Center for Genomic Medicine, Rigshospitalet, Copenhagen University Hospital); PubMed 26822949 (cited by 3 submitters); PubMed 27153395 (cited by 3 submitters); PubMed 27616075 (cited by 5 submitters); PubMed 28727877 (cited by Quest Diagnostics Nichols Institute San Juan Capistrano and Ambry Genetics); PubMed 28802053 (cited by Quest Diagnostics Nichols Institute San Juan Capistrano and Ambry Genetics); PubMed 29520813 (cited by Quest Diagnostics Nichols Institute San Juan Capistrano and Mayo Clinic Laboratories, Mayo Clinic); PubMed 29902706 (cited by Quest Diagnostics Nichols Institute San Juan Capistrano and Ambry Genetics); PubMed 30322717 (cited by Quest Diagnostics Nichols Institute San Juan Capistrano); PubMed 30426508 (cited by Quest Diagnostics Nichols Institute San Juan Capistrano); PubMed 30676620 (cited by Quest Diagnostics Nichols Institute San Juan Capistrano); PubMed 30927251 (cited by Quest Diagnostics Nichols Institute San Juan Capistrano and Mayo Clinic Laboratories, Mayo Clinic); PubMed 31159747 (cited by Quest Diagnostics Nichols Institute San Juan Capistrano); PubMed 31263571 (cited by Quest Diagnostics Nichols Institute San Juan Capistrano); PubMed 31360903 (cited by Quest Diagnostics Nichols Institute San Juan Capistrano); PubMed 31447099 (cited by Quest Diagnostics Nichols Institute San Juan Capistrano); PubMed 32338768 (cited by Quest Diagnostics Nichols Institute San Juan Capistrano); PubMed 32885271 (cited by Quest Diagnostics Nichols Institute San Juan Capistrano); PubMed 33077847 (cited by Quest Diagnostics Nichols Institute San Juan Capistrano); PubMed 33726816 (cited by Quest Diagnostics Nichols Institute San Juan Capistrano); PubMed 34308366 (cited by Quest Diagnostics Nichols Institute San Juan Capistrano and Mayo Clinic Laboratories, Mayo Clinic); PubMed 34570182 (cited by Quest Diagnostics Nichols Institute San Juan Capistrano); PubMed 25583358 (cited by 3 submitters); PubMed 26506619 (cited by Center for Genomic Medicine, Rigshospitalet, Copenhagen University Hospital); PubMed 15087378 (cited by Color Diagnostics, LLC DBA Color Health and Illumina Laboratory Services, Illumina); PubMed 31843900 (cited by 5 submitters); PubMed 32546565 (cited by Color Diagnostics, LLC DBA Color Health); PubMed 33030641 (cited by Color Diagnostics, LLC DBA Color Health); PubMed 23296741 (cited by Ambry Genetics); PubMed 27751358 (cited by Ambry Genetics); PubMed 28211887 (cited by Ambry Genetics); PubMed 29958926 (cited by Ambry Genetics); PubMed 20417869 (cited by Mayo Clinic Laboratories, Mayo Clinic); PubMed 32875559 (cited by Mayo Clinic Laboratories, Mayo Clinic); PubMed 33804961 (cited by Mayo Clinic Laboratories, Mayo Clinic); PubMed 34992046 (cited by Mayo Clinic Laboratories, Mayo Clinic); PubMed 25085752 (cited by Myriad Genetics, Inc.); PubMed 28873162 (cited by Department of Pediatrics, Memorial Sloan Kettering Cancer Center); PubMed 26446916 (cited by Illumina Laboratory Services, Illumina); PubMed 32295079 (cited by CZECANCA consortium); PubMed 17085682 (cited by Counsyl and OMIM).